The following is an entry in ClinVar:

ClinVar aggregate classification (germline): Uncertain significance (1 of 4 stars; one submission).

Conditions:
Developmental and epileptic encephalopathy, 1 (DEE1). Also called: X-linked infantile spasms; West's syndrome; Tonic spasms with clustering, arrest of psychomotor development and hypsarrhythmia on EEG; X-Linked Infantile Spasm Syndrome; INFANTILE SPASM SYNDROME, X-LINKED 1; Epileptic encephalopathy, early infantile, 1. Identifiers: MedGen C3463992, MONDO:0010632, OMIM 308350. Disease mechanism: loss of function.
Autosomal recessive spinocerebellar ataxia 12. Also called: SPINOCEREBELLAR ATAXIA WITH MENTAL RETARDATION AND EPILEPSY. Identifiers: Orphanet 284282, MedGen C3280452, MONDO:0013687, OMIM 614322.

gnomAD v4.1: 1 of 1,614,100 alleles (0.000062%); highest among the groups gnomAD compares: African/African-American, 0.0013%; no homozygotes.

Submission:

Labcorp Genetics (formerly Invitae), Labcorp
Classification: Uncertain significance for Developmental and epileptic encephalopathy, 1; Autosomal recessive spinocerebellar ataxia 12. Last evaluated: 2022-11-22. Review status: criteria provided, single submitter. Criteria: Invitae Variant Classification Sherloc (09022015). Collection method: clinical testing. Allele origin: germline.
Comment: In summary, the available evidence is currently insufficient to determine the role of this variant in disease. Therefore, it has been classified as a Variant of Uncertain Significance. Advanced modeling of protein sequence and biophysical properties (such as structural, functional, and spatial information, amino acid conservation, physicochemical variation, residue mobility, and thermodynamic stability) performed at Invitae indicates that this missense variant is not expected to disrupt WWOX protein function. ClinVar contains an entry for this variant (Variation ID: 655954). This variant has not been reported in the literature in individuals affected with WWOX-related conditions. This variant is not present in population databases (gnomAD no frequency). This sequence change replaces alanine, which is neutral and non-polar, with valine, which is neutral and non-polar, at codon 196 of the WWOX protein (p.Ala196Val).

NM_016373.4(WWOX):c.587C>T (p.Ala196Val)

Gene: WWOX (WW domain containing oxidoreductase; plus strand). Cytogenetic location: 16q23.1.
Variant type: single nucleotide variant.
Coding change: c.587C>T on transcript NM_016373.4 (MANE Select); coding-DNA position 587, C replaced by T.
Protein change: p.Ala196Val; replaces alanine 196 with valine.
Molecular consequence: missense variant.
Genome position (GRCh38, 1-based): chr16:78,386,930, C>T. VCF-style: chr16-78386930-C-T. GRCh37 (hg19) VCF-style: chr16-78420827-C-T.
Other names: c.248C>T, p.Ala83Val (NM_001291997.2); short protein forms A83V, A196V.
Identifiers: ClinVar variation 655954 (VCV000655954.7), dbSNP rs754102799, ClinGen allele CA396843971.